The following is an entry in ClinVar:

ClinVar aggregate classification (germline): Pathogenic/Likely pathogenic. Review status: criteria provided, multiple submitters, no conflicts (2 of 4 stars). 4 submissions from 4 submitters: Pathogenic (2); Likely pathogenic (2). Last evaluated 2024-04-05.

Conditions:
Iodotyrosyl coupling defect (TDH3). Also called: THYROID HORMONOGENESIS, GENETIC DEFECT IN, 3; HYPOTHYROIDISM, CONGENITAL, DUE TO DYSHORMONOGENESIS, 3. Identifiers: Orphanet 95716, MedGen C0342194, MONDO:0010135, OMIM 274700.
Autoimmune thyroid disease, susceptibility to, 3. Identifiers: MedGen C1842444, MONDO:0011982, OMIM 608175.
Congenital hypothyroidism. Identifiers: Orphanet 442, MedGen C0010308, MONDO:0018612, HP:0000851.

Allele frequency attached by ClinVar (database versions not stated): gnomAD 0.00003.
gnomAD v4.1: 172 of 1,613,992 alleles (0.011%); highest among the groups gnomAD compares: Non-Finnish European, 0.014%; no homozygotes.

Submissions (4):

Fulgent Genetics
Classification: Likely pathogenic for Iodotyrosyl coupling defect; Autoimmune thyroid disease, susceptibility to, 3. Last evaluated: 2024-04-05. Review status: criteria provided, single submitter. Criteria: ACMG Guidelines, 2015. Collection method: clinical testing. Allele origin: germline.

Labcorp Genetics (formerly Invitae), Labcorp
Classification: Pathogenic. Last evaluated: 2024-02-04. Review status: criteria provided, single submitter. Criteria: Invitae Variant Classification Sherloc (09022015). Collection method: clinical testing. Allele origin: germline.
Comment: This sequence change creates a premature translational stop signal (p.Gln771*) in the TG gene. It is expected to result in an absent or disrupted protein product. Loss-of-function variants in TG are known to be pathogenic (PMID: 19837936, 23164529). This variant is present in population databases (rs778743706, gnomAD 0.006%). This variant has not been reported in the literature in individuals affected with TG-related conditions. ClinVar contains an entry for this variant (Variation ID: 2434134). For these reasons, this variant has been classified as Pathogenic.

Cambridge Genomics Laboratory, East Genomic Laboratory Hub, NHS Genomic Medicine Service
Classification: Pathogenic for Congenital hypothyroidism. Last evaluated: 2024-01-31. Review status: criteria provided, single submitter. Criteria: ACGS Best Practice Guidelines for Variant Classification in Rare Disease 2020. Collection method: clinical testing. Allele origin: germline. Affected: yes.
Comment: The p.Gln771Ter variant is observed in 7/113.538 (0.0062%) alleles from individuals of gnomAD Non Finnish European background in gnomAD All. The p.Gln771Ter variant is novel (not in any individuals) in 1kG All. The p.Gln771Ter variant is observed in 3/41.432 (0.0072%) alleles from individuals of gnomAD Genomes v3 African background in gnomAD Genomes v3 All. (PM2 - Moderate) | This variant is a stop gained variant which occurs in an exon of TG upstream of where nonsense mediated decay is predicted to occur. This variant has been previously classified as pathogenic, indicating that the region is critical to protein function. There are 19 downstream pathogenic loss of function variants, with the furthest variant being 1914 residues downstream of this variant. This indicates that the region is critical to protein function. The p.Gln771Ter variant is a loss of function variant in the gene TG, which is intolerant of Loss of Function variants, as indicated by the presence of existing pathogenic loss of function variant NP_003226.4:p.E39* and 15 others. (PVS1 - Very Strong) | The variant is observed in trans (in a compound heterozygous state) with another pathogenic variant. (PM3_Supporting - Supporting) | The patient's phenotype or family history is highly specific for a disease with a single genetic etiology. (PP4 - Supporting)

Revvity Omics, Revvity
Classification: Likely pathogenic for Iodotyrosyl coupling defect. Last evaluated: 2022-06-14. Review status: criteria provided, single submitter. Criteria: ACMG Guidelines, 2015. Collection method: clinical testing. Allele origin: germline.

Literature cited by the submitters: PubMed 19837936 (cited by Labcorp Genetics (formerly Invitae), Labcorp); PubMed 23164529 (cited by Labcorp Genetics (formerly Invitae), Labcorp).

NM_003235.5(TG):c.2311C>T (p.Gln771Ter)

Gene: TG (thyroglobulin; plus strand). Cytogenetic location: 8q24.22.
Variant type: single nucleotide variant.
Coding change: c.2311C>T on transcript NM_003235.5 (MANE Select); coding-DNA position 2311, C replaced by T.
Protein change: p.Gln771Ter; replaces glutamine 771 with a stop codon.
Molecular consequence: nonsense.
Genome position (GRCh38, 1-based): chr8:132,888,118, C>T. VCF-style: chr8-132888118-C-T. GRCh37 (hg19) VCF-style: chr8-133900363-C-T.
Other names: short protein forms Q771*.
Identifiers: ClinVar variation 2434134 (VCV002434134.7), dbSNP rs778743706, ClinGen allele CA4883377.